The following is an entry in ClinVar:

NM_006420.3(ARFGEF2):c.3840C>T (p.Asn1280=)

Gene: ARFGEF2 (ARF guanine nucleotide exchange factor 2; plus strand). Cytogenetic location: 20q13.13.
Variant type: single nucleotide variant.
Coding change: c.3840C>T on transcript NM_006420.3 (MANE Select); coding-DNA position 3840, C replaced by T.
Protein change: p.Asn1280=; no amino-acid change (asparagine 1280 retained).
Molecular consequence: synonymous variant.
Genome position (GRCh38, 1-based): chr20:49,012,006, C>T. VCF-style: chr20-49012006-C-T. GRCh37 (hg19) VCF-style: chr20-47628543-C-T.
Identifiers: ClinVar variation 773789 (VCV000773789.9), dbSNP rs371088382, ClinGen allele CA9899051.

ClinVar aggregate classification (germline): Likely benign. Review status: criteria provided, single submitter (1 of 4 stars). 2 submissions from 2 submitters: Likely benign (1). 1 of the submissions does not count toward it. Last evaluated 2023-06-15.

Conditions:
ARFGEF2-related disorder. Also called: ARFGEF2-related condition.

Allele frequency attached by ClinVar (database versions not stated): gnomAD 0.00009; gnomAD exomes 0.00014 and 0.00009; ExAC 0.00005; TOPMed 0.00006; ESP Exome Variant Server 0.00008.
gnomAD v4.1: 217 of 1,614,134 alleles (0.013%); highest among the groups gnomAD compares: East Asian, 0.045%; no homozygotes.

Submissions (2):

Labcorp Genetics (formerly Invitae), Labcorp
Classification: Likely benign. Last evaluated: 2023-06-15. Review status: criteria provided, single submitter. Criteria: Invitae Variant Classification Sherloc (09022015). Collection method: clinical testing. Allele origin: germline.

PreventionGenetics, part of Exact Sciences
Classification: Likely benign for ARFGEF2-related condition. Last evaluated: 2019-02-28. Review status: no assertion criteria provided. Collection method: clinical testing. Allele origin: germline. Not counted in ClinVar's aggregate classification.
Comment: This variant is classified as likely benign based on ACMG/AMP sequence variant interpretation guidelines (Richards et al. 2015 PMID: 25741868, with internal and published modifications).